The following is an entry in ClinVar:

ClinVar aggregate classification (germline): Conflicting classifications of pathogenicity. Review status: criteria provided, conflicting classifications (1 of 4 stars). 8 submissions from 8 submitters: Uncertain significance (5); Likely benign (2). 1 of the submissions does not count toward it. Last evaluated 2025-08-12.

Conditions:
Hereditary breast ovarian cancer syndrome. Also called: Hereditary breast and ovarian cancer syndrome; Hereditary breast and ovarian cancer syndrome (HBOC); BRCA1- and BRCA2-Associated Hereditary Breast and Ovarian Cancer; Breast and ovarian cancer; Hereditary breast and ovarian cancer; Hereditary breast and/or ovarian cancer syndrome. Identifiers: Orphanet 145, MedGen C0677776, MeSH D061325, MONDO:0003582. Disease mechanism: loss of function.
Breast-ovarian cancer, familial, susceptibility to, 1 (BROVCA1). Also called: OVARIAN CANCER, SUSCEPTIBILITY TO; BRCA1 Hereditary Breast and Ovarian Cancer. Identifiers: Orphanet 145, MedGen C2676676, MONDO:0011450, OMIM 604370. Disease mechanism: loss of function.
Hereditary cancer-predisposing syndrome. Also called: Hereditary Cancer Syndrome; Hereditary neoplastic syndrome; Tumor predisposition; Neoplastic Syndromes, Hereditary. Identifiers: Orphanet 140162, MedGen C0027672, MeSH D009386, MONDO:0015356.

Allele frequency attached by ClinVar (database versions not stated): gnomAD exomes below 0.00001 and 0.00001; gnomAD 0.00001.
gnomAD v4.1: 2 of 1,613,468 alleles (0.00012%); highest among the groups gnomAD compares: East Asian, 0.0022%; no homozygotes.

Submissions (8):

Mayo Clinic Laboratories, Mayo Clinic
Classification: Likely benign. Last evaluated: 2025-08-12. Review status: criteria provided, single submitter. Criteria: ACMG Guidelines, 2015. Collection method: clinical testing. Allele origin: germline. Observed: 1 variant allele.
Comment: BP1_strong

Labcorp Genetics (formerly Invitae), Labcorp
Classification: Uncertain significance for Hereditary breast ovarian cancer syndrome. Last evaluated: 2024-12-24. Review status: criteria provided, single submitter. Criteria: Invitae Variant Classification Sherloc (09022015). Collection method: clinical testing. Allele origin: germline.
Comment: This sequence change replaces glutamic acid, which is acidic and polar, with lysine, which is basic and polar, at codon 809 of the BRCA1 protein (p.Glu809Lys). This variant is present in population databases (rs786204151, gnomAD 0.02%). This variant has not been reported in the literature in individuals affected with BRCA1-related conditions. ClinVar contains an entry for this variant (Variation ID: 188213). Invitae Evidence Modeling of protein sequence and biophysical properties (such as structural, functional, and spatial information, amino acid conservation, physicochemical variation, residue mobility, and thermodynamic stability) indicates that this missense variant is not expected to disrupt BRCA1 protein function with a negative predictive value of 80%. In summary, the available evidence is currently insufficient to determine the role of this variant in disease. Therefore, it has been classified as a Variant of Uncertain Significance.

Ambry Genetics
Classification: Uncertain significance for Hereditary cancer-predisposing syndrome. Last evaluated: 2024-06-17. Review status: criteria provided, single submitter. Criteria: Ambry Variant Classification Scheme 2023. Collection method: clinical testing. Allele origin: germline.
Comment: The p.E809K variant (also known as c.2425G>A), located in coding exon 9 of the BRCA1 gene, results from a G to A substitution at nucleotide position 2425. The glutamic acid at codon 809 is replaced by lysine, an amino acid with similar properties. This amino acid position is not well conserved in available vertebrate species. In addition, the in silico prediction for this alteration is inconclusive. Since supporting evidence is limited at this time, the clinical significance of this alteration remains unclear.

University of Washington Department of Laboratory Medicine, University of Washington
Classification: Likely benign for Hereditary cancer-predisposing syndrome. Last evaluated: 2023-03-23. Review status: criteria provided, single submitter. Criteria: Dines et al. (Genet Med. 2020). Collection method: curation. Allele origin: germline.
Comment: Missense variant in a coldspot region where missense variants are very unlikely to be pathogenic (PMID:31911673).

BRCA1 coldspot (exon 11 using historical exon numbering). Reclassification based on statistical prior probability

Color Diagnostics, LLC DBA Color Health
Classification: Uncertain significance for Hereditary cancer-predisposing syndrome. Last evaluated: 2022-05-25. Review status: criteria provided, single submitter. Criteria: ACMG Guidelines, 2015. Collection method: clinical testing. Allele origin: germline.
Comment: This missense variant replaces glutamic acid with lysine at codon 809 of the BRCA1 protein. Computational prediction suggests that this variant may not impact protein structure and function (internally defined REVEL score threshold <= 0.5, PMID: 27666373). To our knowledge, functional studies have not been reported for this variant. This variant has not been reported in individuals affected with hereditary cancer in the literature. This variant has been identified in 3/281900 chromosomes in the general population by the Genome Aggregation Database (gnomAD). The available evidence is insufficient to determine the role of this variant in disease conclusively. Therefore, this variant is classified as a Variant of Uncertain Significance.

GeneDx
Classification: Uncertain significance. Last evaluated: 2020-08-28. Review status: criteria provided, single submitter. Criteria: GeneDx Variant Classification Process June 2021. Collection method: clinical testing. Allele origin: germline. Affected: yes.
Comment: Not observed at a significant frequency in large population cohorts (Lek 2016); In silico analysis supports that this missense variant has a deleterious effect on protein structure/function; Has not been previously published as pathogenic or benign to our knowledge; Also known as 2544G>A

Quest Diagnostics Nichols Institute San Juan Capistrano
Classification: Uncertain significance. Last evaluated: 2019-03-25. Review status: criteria provided, single submitter. Criteria: Quest Diagnostics criteria. Collection method: clinical testing. Allele origin: germline.

Counsyl
Classification: Uncertain significance for Breast-ovarian cancer, familial, susceptibility to, 1. Last evaluated: 2017-06-16. Review status: no assertion criteria provided. Collection method: clinical testing. Allele origin: unknown. Not counted in ClinVar's aggregate classification.

NM_007294.4(BRCA1):c.2425G>A (p.Glu809Lys)

Gene: BRCA1 (BRCA1 DNA repair associated; minus strand). Cytogenetic location: 17q21.31.
Variant type: single nucleotide variant.
Coding change: c.2425G>A on transcript NM_007294.4 (MANE Select); coding-DNA position 2425, G replaced by A.
Protein change: p.Glu809Lys; replaces glutamic acid 809 with lysine.
Molecular consequence: missense variant. On other transcripts: intron variant (137).
Genome position (GRCh38, 1-based): chr17:43,093,106, C>T on the plus strand (G>A on the coding strand, the complement: BRCA1 is on the minus strand). VCF-style: chr17-43093106-C-T. GRCh37 (hg19) VCF-style: chr17-41245123-C-T.
Other names: p.Glu809Lys; c.2212G>A, p.Glu738Lys (NM_001407571.1, NM_001407915.1, NM_001407916.1 and 9 more transcripts); c.2425G>A, p.Glu809Lys (NM_001407581.1, NM_001407582.1, NM_001407583.1 and 30 more transcripts); c.2422G>A, p.Glu808Lys (NM_001407587.1, NM_001407590.1, NM_001407591.1 and 22 more transcripts); c.2347G>A, p.Glu783Lys (NM_001407654.1, NM_001407655.1, NM_001407656.1 and 4 more transcripts); c.2344G>A, p.Glu782Lys (NM_001407659.1, NM_001407660.1, NM_001407661.1 and 1 more transcripts); c.2299G>A, p.Glu767Lys (NM_001407673.1, NM_001407649.1, NM_001407670.1 and 11 more transcripts); c.2302G>A, p.Glu768Lys (NM_001407674.1, NM_001407675.1, NM_001407676.1 and 19 more transcripts); and 42 more; short protein forms E809K, E762K, E741K, E768K, E782K, E513K, E641K, E681K.
Identifiers: ClinVar variation 188213 (VCV000188213.30), dbSNP rs786204151, ClinGen allele CA001619.
Genomic context (GRCh38, chr17:43,093,106, plus strand): 5'-AGCCTTCTGTGTCATTTCTATTATCTTTGGAACAACCATGAATTAGTCCCTTGGGGTTTT[C>T]AAATGCTGCACACTGACTCACACATTTATTTGGTTCTGTTTTTGCCTTCCCTAGAGTGCT-3'
Protein context (NP_009225.1, residues 799-819): NKCVSQCAAF[Glu809Lys]NPKGLIHGCS